The following is an entry in ClinVar:

NM_000252.3(MTM1):c.770A>G (p.Asp257Gly)

Gene: MTM1 (myotubularin 1; plus strand). Cytogenetic location: Xq28.
Variant type: single nucleotide variant.
Coding change: c.770A>G on transcript NM_000252.3 (MANE Select); coding-DNA position 770, A replaced by G.
Protein change: p.Asp257Gly; replaces aspartic acid 257 with glycine.
Molecular consequence: missense variant.
Genome position (GRCh38, 1-based): chrX:150,645,774, A>G. VCF-style: chrX-150645774-A-G. GRCh37 (hg19) VCF-style: chrX-149814247-A-G.
Other names: c.770A>G, p.Asp257Gly (NM_001376908.1, NM_001376906.1); c.659A>G, p.Asp220Gly (NM_001376907.1); short protein forms D220G, D257G.
Identifiers: ClinVar variation 1709709 (VCV001709709.2), dbSNP rs2522381514, ClinGen allele CA415256485.
Genomic context (GRCh38, chrX:150,645,774, plus strand): 5'-CGGTCATTGTGCGTTGCAGTCAGCCTCTTGTCGGTATGAGTGGGAAACGAAATAAAGATG[A>G]TGAGAAATATCTCGATGTTATCAGGGAGACTAATAAACAAATTTCTAAACTCACCATTTA-3'
Protein context (NP_000243.1, residues 247-267): VGMSGKRNKD[Asp257Gly]EKYLDVIRET

ClinVar aggregate classification (germline): Uncertain significance (1 of 4 stars; one submission).

Conditions:
Severe X-linked myotubular myopathy (CNMX). Also called: X-linked centronuclear myopathy; MYOTUBULAR MYOPATHY 1; Myotubular myopathy, X-linked. Identifiers: Orphanet 596, MedGen C0410203, MONDO:0010683, OMIM 310400.

Submission:

MGZ Medical Genetics Center
Classification: Uncertain significance for Severe X-linked myotubular myopathy. Last evaluated: 2022-08-04. Review status: criteria provided, single submitter. Criteria: ACMG Guidelines, 2015. Collection method: clinical testing. Allele origin: germline. Affected: yes. Observed: 1 variant allele.
Comment: ACMG criteria applied: PM2_SUP, PP3